The following is an entry in ClinVar:

ClinVar aggregate classification (germline): Uncertain significance (1 of 4 stars; one submission).

gnomAD v4.1: 7 of 1,612,920 alleles (0.00043%); highest among the groups gnomAD compares: Non-Finnish European, 0.00042%; no homozygotes.

Submission:

GeneDx
Classification: Uncertain significance. Last evaluated: 2024-11-10. Review status: criteria provided, single submitter. Criteria: GeneDx Variant Classification Process June 2021. Collection method: clinical testing. Allele origin: germline. Affected: yes.
Comment: Not observed at significant frequency in large population cohorts (gnomAD); In silico analysis supports that this missense variant has a deleterious effect on protein structure/function; Has not been previously published as pathogenic or benign to our knowledge; Reported using the transcript encoding the epithelial isoform of the gene

NM_001374736.1(DST):c.4856C>A (p.Thr1619Asn)

Gene: DST (dystonin; minus strand). Cytogenetic location: 6p12.1.
Variant type: single nucleotide variant.
Coding change: c.4856C>A on transcript NM_001374736.1 (MANE Select); coding-DNA position 4856, C replaced by A.
Protein change: p.Thr1619Asn; replaces threonine 1619 with asparagine.
Molecular consequence: missense variant.
Genome position (GRCh38, 1-based): chr6:56,624,603, G>T on the plus strand (C>A on the coding strand, the complement: DST is on the minus strand). VCF-style: chr6-56624603-G-T. GRCh37 (hg19) VCF-style: chr6-56489401-G-T.
Other names: c.4757C>A, p.Thr1586Asn (NM_001144769.5); c.4343C>A, p.Thr1448Asn (NM_001144770.2); c.4856C>A, p.Thr1619Asn (NM_001374722.1); c.4223C>A, p.Thr1408Asn (NM_001374729.1, NM_001374730.1, NM_001386100.1 and 1 more transcripts); c.4883C>A, p.Thr1628Asn (NM_001374734.1); c.3245C>A, p.Thr1082Asn (NM_001723.7, NM_015548.5); short protein forms T1082N, T1408N, T1448N, T1586N, T1619N, T1628N.
Identifiers: ClinVar variation 3898784 (VCV003898784.1).